The following is an entry in ClinVar:

ClinVar aggregate classification (germline): Likely pathogenic. Review status: criteria provided, single submitter (1 of 4 stars). 2 submissions from 2 submitters: Likely pathogenic (1). 1 of the submissions does not count toward it. Last evaluated 2020-03-02.

Conditions:
Premature ovarian insufficiency (POF). Also called: Premature ovarian failure. Identifiers: MedGen C4303540, HP:0008209.

Allele frequency attached by ClinVar (database versions not stated): gnomAD exomes below 0.00001; TOPMed 0.00001; ExAC 0.00001; gnomAD 0.00001.
gnomAD v4.1: 4 of 1,613,754 alleles (0.00025%); highest among the groups gnomAD compares: African/African-American, 0.0013%; no homozygotes.

Submissions (2):

Medical Cytogenetics and Molecular Genetics Laboratory, IRCCS Istituto Auxologico Italiano
Classification: Likely pathogenic for Premature ovarian failure. Last evaluated: 2020-03-02. Review status: criteria provided, single submitter. Criteria: ACMG Guidelines, 2015. Collection method: research. Allele origin: germline. Affected: yes. Observed: 1 variant allele.

ITMI
No classification provided. Condition: AllHighlyPenetrant. Last evaluated: 2013-09-19. Review status: no classification provided. Collection method: reference population. Allele origin: germline. Not counted in ClinVar's aggregate classification.
Comment: Please see associated publication for description of ethnicities

Literature cited by the submitters: PubMed 24728327 (cited by ITMI).

NM_002253.4(KDR):c.724C>T (p.Leu242Phe)

Gene: KDR (kinase insert domain receptor; minus strand). Cytogenetic location: 4q12.
Variant type: single nucleotide variant.
Coding change: c.724C>T on transcript NM_002253.4 (MANE Select); coding-DNA position 724, C replaced by T.
Protein change: p.Leu242Phe; replaces leucine 242 with phenylalanine.
Molecular consequence: missense variant.
Genome position (GRCh38, 1-based): chr4:55,114,200, G>A on the plus strand (C>T on the coding strand, the complement: KDR is on the minus strand). VCF-style: chr4-55114200-G-A. GRCh37 (hg19) VCF-style: chr4-55980367-G-A.
Other names: short protein forms L242F.
Identifiers: ClinVar variation 134612 (VCV000134612.4), dbSNP rs587778428, ClinGen allele CA160329.